The following is an entry in ClinVar:

ClinVar aggregate classification (germline): Uncertain significance (1 of 4 stars; one submission).

Conditions:
Developmental and epileptic encephalopathy 98. Identifiers: MedGen C5562017, MONDO:0030472, OMIM 619605.

Submission:

3billion
Classification: Uncertain significance for Developmental and epileptic encephalopathy 98. Last evaluated: 2025-06-26. Review status: criteria provided, single submitter. Criteria: ACMG Guidelines, 2015. Collection method: clinical testing. Allele origin: germline. Affected: yes.
Comment: The variant is not observed in the gnomAD v4.1.0 dataset. Predicted Consequence/Location: Intron variant In silico tools predict the variant to alter splicing and produce an abnormal transcript [SpliceAI: 0.45 (>=0.2, moderate evidence for spliceogenicity)]. Therefore, this variant is classified as VUS according to the recommendation of ACMG/AMP guideline.

NM_000702.4(ATP1A2):c.2564-3C>A

Gene: ATP1A2 (ATPase Na+/K+ transporting subunit alpha 2; plus strand). Cytogenetic location: 1q23.2.
Variant type: single nucleotide variant.
Coding change: c.2564-3C>A on transcript NM_000702.4 (MANE Select); 3 bases into the intron before coding-DNA position 2564, C replaced by A.
Molecular consequence: intron variant.
Genome position (GRCh38, 1-based): chr1:160,136,567, C>A. VCF-style: chr1-160136567-C-A. GRCh37 (hg19) VCF-style: chr1-160106357-C-A.
Identifiers: ClinVar variation 4853967 (VCV004853967.1).
Genomic context (GRCh38, chr1:160,136,567, plus strand): 5'-GGGGCTGTGCCCCTTCTGCTTCCTGCTCTGACCCTGCCCCTGCCTTTGGCCCTCTACCCA[C>A]AGGGATGATCCAGGCACTGGGTGGCTTCTTCACCTACTTTGTGATCCTGGCAGAGAACGG-3'